The following is an entry in ClinVar:

NM_002890.3(RASA1):c.1000G>C (p.Asp334His)

Genes: CCNH (cyclin H; minus strand), RASA1 (RAS p21 protein activator 1; plus strand). Cytogenetic location: 5q14.3.
Variant type: single nucleotide variant.
Coding change: c.1000G>C on transcript NM_002890.3 (MANE Select); coding-DNA position 1000, G replaced by C.
Protein change: p.Asp334His; replaces aspartic acid 334 with histidine.
Molecular consequence: missense variant. On other transcripts: intron variant (1).
Genome position (GRCh38, 1-based): chr5:87,338,074, G>C. VCF-style: chr5-87338074-G-C. GRCh37 (hg19) VCF-style: chr5-86633891-G-C.
Other names: c.469G>C, p.Asp157His (NM_022650.3); c.934-25279C>G (NM_001364075.2); short protein forms D157H, D334H.
Identifiers: ClinVar variation 1957303 (VCV001957303.5), dbSNP rs2531212587, ClinGen allele CA360381190.

ClinVar aggregate classification (germline): Uncertain significance (1 of 4 stars; one submission).

Conditions:
Capillary malformation-arteriovenous malformation syndrome. Also called: Capillary malformation-arteriovenous malformation. Identifiers: Orphanet 137667, MedGen C1842180, MONDO:0012016.

Submission:

Labcorp Genetics (formerly Invitae), Labcorp
Classification: Uncertain significance for Capillary malformation-arteriovenous malformation syndrome. Last evaluated: 2022-10-10. Review status: criteria provided, single submitter. Criteria: Invitae Variant Classification Sherloc (09022015). Collection method: clinical testing. Allele origin: germline.
Comment: In summary, the available evidence is currently insufficient to determine the role of this variant in disease. Therefore, it has been classified as a Variant of Uncertain Significance. Algorithms developed to predict the effect of missense changes on protein structure and function are either unavailable or do not agree on the potential impact of this missense change (SIFT: "Deleterious"; PolyPhen-2: "Possibly Damaging"; Align-GVGD: "Class C0"). This variant has not been reported in the literature in individuals affected with RASA1-related conditions. This variant is not present in population databases (gnomAD no frequency). This sequence change replaces aspartic acid, which is acidic and polar, with histidine, which is basic and polar, at codon 334 of the RASA1 protein (p.Asp334His).